The following is an entry in ClinVar:

ClinVar aggregate classification (germline): Uncertain significance (1 of 4 stars; one submission).

Conditions:
Shprintzen-Goldberg syndrome (SGS). Also called: Marfanoid disorder with craniosynostosis type 1; Marfanoid craniosynostosis syndrome; Shprintzen-Goldberg marfanoid syndrome; SHPRINTZEN-GOLDBERG CRANIOSYNOSTOSIS SYNDROME; CRANIOSYNOSTOSIS WITH ARACHNODACTYLY AND ABDOMINAL HERNIAS. Identifiers: Orphanet 2462, MedGen C1321551, MONDO:0008426, OMIM 182212.

Submission:

Labcorp Genetics (formerly Invitae), Labcorp
Classification: Uncertain significance for Shprintzen-Goldberg syndrome. Last evaluated: 2023-09-19. Review status: criteria provided, single submitter. Criteria: Invitae Variant Classification Sherloc (09022015). Collection method: clinical testing. Allele origin: germline.
Comment: This sequence change replaces alanine, which is neutral and non-polar, with serine, which is neutral and polar, at codon 528 of the SKI protein (p.Ala528Ser). This variant is not present in population databases (gnomAD no frequency). This variant has not been reported in the literature in individuals affected with SKI-related conditions. Advanced modeling of protein sequence and biophysical properties (such as structural, functional, and spatial information, amino acid conservation, physicochemical variation, residue mobility, and thermodynamic stability) performed at Invitae indicates that this missense variant is not expected to disrupt SKI protein function. In summary, the available evidence is currently insufficient to determine the role of this variant in disease. Therefore, it has been classified as a Variant of Uncertain Significance.

NM_003036.4(SKI):c.1582G>T (p.Ala528Ser)

Gene: SKI (SKI proto-oncogene; plus strand). Cytogenetic location: 1p36.32.
Variant type: single nucleotide variant.
Coding change: c.1582G>T on transcript NM_003036.4 (MANE Select); coding-DNA position 1582, G replaced by T.
Protein change: p.Ala528Ser; replaces alanine 528 with serine.
Molecular consequence: missense variant.
Genome position (GRCh38, 1-based): chr1:2,304,400, G>T. VCF-style: chr1-2304400-G-T. GRCh37 (hg19) VCF-style: chr1-2235839-G-T.
Other names: short protein forms A528S.
Identifiers: ClinVar variation 2761897 (VCV002761897.3), dbSNP rs1281574879, ClinGen allele CA337957321.